The following is an entry in ClinVar:

ClinVar aggregate classification (germline): Pathogenic (1 of 4 stars; one submission).

Conditions:
Cohen syndrome (COH1). Also called: PEPPER SYNDROME; Cutis verticis gyrata, retinitis pigmentosa, and sensorineural deafness. Identifiers: Orphanet 193, MedGen C0265223, MONDO:0008999, OMIM 216550.

Submission:

Myriad Genetics, Inc.
Classification: Pathogenic for Cohen syndrome. Last evaluated: 2023-10-25. Review status: criteria provided, single submitter. Criteria: Myriad Autosomal Dominant, Autosomal Recessive and X-Linked Classification Criteria (2023). Collection method: clinical testing. Allele origin: unknown.
Comment: NM_017890.4(VPS13B):c.4663A>T(R1555*) is expected to be pathogenic in the context of Cohen syndrome. This variant is predicted to lead to an abnormal or absent protein product due to the creation of a premature termination codon in VPS13B, a gene where loss-of-function variants are known to be pathogenic. Please note: this variant was assessed in the context of healthy population screening.

NM_152564.5(VPS13B):c.4588A>T (p.Arg1530Ter)

Gene: VPS13B (vacuolar protein sorting 13 homolog B; plus strand). Cytogenetic location: 8q22.2.
Variant type: single nucleotide variant.
Coding change: c.4588A>T on transcript NM_152564.5 (MANE Select); coding-DNA position 4588, A replaced by T.
Protein change: p.Arg1530Ter; replaces arginine 1530 with a stop codon.
Molecular consequence: nonsense.
Genome position (GRCh38, 1-based): chr8:99,511,467, A>T. VCF-style: chr8-99511467-A-T. GRCh37 (hg19) VCF-style: chr8-100523695-A-T.
Other names: c.4663A>T, p.Arg1555Ter (NM_017890.5); short protein forms R1530*, R1555*.
Identifiers: ClinVar variation 5012429 (VCV005012429.1).
Genomic context (GRCh38, chr8:99,511,467, plus strand): 5'-AGGACCCATACACTGACATCCCGCAATTTACCTTTGATTTATGTCAACACAAGTGTAATC[A>T]GAATTTTTATTCCAAAAACAGAAGAAATGCAGCCAACTGTTGAAGGTATTGTCTTCTGAT-3'